The following is an entry in ClinVar:

ClinVar aggregate classification (germline): Benign. Review status: no assertion criteria provided (0 of 4 stars). 2 submissions from 2 submitters: Benign (1). 1 of the submissions does not count toward it. Last evaluated 2019-03-20.

Conditions:
CBLB-related disorder. Also called: CBLB-related condition.

Allele frequency attached by ClinVar (database versions not stated): gnomAD exomes 0.00104 and 0.00405; gnomAD 0.00129 and 0.00165; TOPMed 0.00220; ExAC 0.00402; 1000 Genomes Project 30x 0.00874; 1000 Genomes Project 0.00879.
gnomAD v4.1: 1,809 of 1,613,612 alleles (0.11%); highest among the groups gnomAD compares: East Asian, 3.6%; 30 homozygotes.

Submissions (2):

PreventionGenetics, part of Exact Sciences
Classification: Benign for CBLB-related condition. Last evaluated: 2019-03-20. Review status: no assertion criteria provided. Collection method: clinical testing. Allele origin: germline.
Comment: This variant is classified as benign based on ACMG/AMP sequence variant interpretation guidelines (Richards et al. 2015 PMID: 25741868, with internal and published modifications).

ITMI
No classification provided. Condition: AllHighlyPenetrant. Last evaluated: 2013-09-19. Review status: no classification provided. Collection method: reference population. Allele origin: germline. Not counted in ClinVar's aggregate classification.
Comment: Please see associated publication for description of ethnicities

Literature cited by the submitters: PubMed 24728327 (cited by ITMI).

NM_170662.5(CBLB):c.1396A>G (p.Asn466Asp)

Genes: CBLB (Cbl proto-oncogene B; minus strand), LOC126806757 (P300/CBP strongly-dependent group 1 enhancer GRCh37_chr3:105438452-105439651; plus strand). Cytogenetic location: 3q13.11.
Variant type: single nucleotide variant.
Coding change: c.1396A>G on transcript NM_170662.5 (MANE Select); coding-DNA position 1396, A replaced by G.
Protein change: p.Asn466Asp; replaces asparagine 466 with aspartic acid.
Molecular consequence: missense variant. On other transcripts: non-coding transcript variant (7).
Genome position (GRCh38, 1-based): chr3:105,720,058, T>C on the plus strand (A>G on the coding strand, the complement: CBLB is on the minus strand). VCF-style: chr3-105720058-T-C. GRCh37 (hg19) VCF-style: chr3-105438902-T-C.
Other names: c.1480A>G, p.Asn494Asp (NM_001321786.1, NM_001321789.1); c.1396A>G, p.Asn466Asp (NM_001321788.2, NM_001321791.2, NM_001321793.2 and 4 more transcripts); c.1462A>G, p.Asn488Asp (NM_001321790.2); c.1249A>G, p.Asn417Asp (NM_001321796.2, NM_001321799.2); c.616A>G, p.Asn206Asp (NM_001321806.2, NM_001321807.2, NM_001321808.2 and 3 more transcripts); c.208A>G, p.Asn70Asp (NM_001321820.2); c.67A>G, p.Asn23Asp (NM_001321822.2); short protein forms N466D, N206D, N23D, N417D, N488D, N494D, N70D.
Identifiers: ClinVar variation 133818 (VCV000133818.3), dbSNP rs61758360, ClinGen allele CA157883.
Genomic context (GRCh38, chr3:105,720,058, plus strand): 5'-TTTTCATATGGTCACATCACCTTAACTAAACCCATGTTTCTAGTTTTACCTTTCGGACGT[T>C]TGCCAACCGATTCATCATCAAGGACTCCTCACGATCATCATCGTCGTCCAAGTCTAGCAT-3'
Protein context (NP_733762.2, residues 456-476): EESLMMNRLA[Asn466Asp]VRKCTDRQNS